The following is an entry in ClinVar:

ClinVar aggregate classification (germline): Uncertain significance (1 of 4 stars; one submission).

Submission:

Laboratorio de Genetica e Diagnostico Molecular, Hospital Israelita Albert Einstein
Classification: Uncertain significance. Last evaluated: 2019-12-26. Review status: criteria provided, single submitter. Criteria: ACMG Guidelines, 2015. Collection method: clinical testing. Allele origin: germline. Affected: yes.
Comment: ACMG classification criteria: PM2, PM4

NM_003560.4(PLA2G6):c.812TCA[1] (p.Ile272del)

Gene: PLA2G6 (phospholipase A2 group VI; minus strand). Cytogenetic location: 22q13.1.
Variant type: Microsatellite.
Coding change: c.812TCA[1] on transcript NM_003560.4 (MANE Select); one copy of the 3-base unit TCA starting at c.812; the reference has two copies in a row; one copy, 3 bases deleted.
Protein change: p.Ile272del; deletes isoleucine 272.
Molecular consequence: inframe deletion.
Genome position (GRCh38, 1-based): chr22:38,135,065-38,135,067, TGA deleted on the plus strand (TCA on the coding strand, the reverse complement: PLA2G6 is on the minus strand); deleting any 3 consecutive bases within chr22:38,135,065-38,135,071 gives the same sequence; the position shown is the placement nearest the transcript's 3' end. VCF-style (leftmost placement, unchanged base first): chr22-38135064-CTGA-C. GRCh37 (hg19) VCF-style: chr22-38531071-CTGA-C.
Other names: c.812TCA[1], p.Ile272del (NM_001004426.3, NM_001199562.3, NM_001349864.2 and 2 more transcripts); c.278TCA[1], p.Ile94del (NM_001349867.2, NM_001349869.2); c.134TCA[1], p.Ile46del (NM_001349868.2); c.815_817del (NM_001004426.3); short protein forms I272del, I46del, I94del.
Identifiers: ClinVar variation 1690761 (VCV001690761.2), dbSNP rs2145780315, ClinGen allele CA2580615310.